The following is an entry in ClinVar:

NM_005228.5(EGFR):c.2986A>G (p.Asn996Asp)

Gene: EGFR (epidermal growth factor receptor; plus strand). Cytogenetic location: 7p11.2.
Variant type: single nucleotide variant.
Coding change: c.2986A>G on transcript NM_005228.5 (MANE Select); coding-DNA position 2986, A replaced by G.
Protein change: p.Asn996Asp; replaces asparagine 996 with aspartic acid.
Molecular consequence: missense variant.
Genome position (GRCh38, 1-based): chr7:55,201,227, A>G. VCF-style: chr7-55201227-A-G. GRCh37 (hg19) VCF-style: chr7-55268920-A-G.
Other names: c.2851A>G, p.Asn951Asp (NM_001346897.2, NM_001346899.2); c.2986A>G, p.Asn996Asp (NM_001346898.2); c.2827A>G, p.Asn943Asp (NM_001346900.2); c.2185A>G, p.Asn729Asp (NM_001346941.2); short protein forms N943D, N996D, N729D, N951D.
Identifiers: ClinVar variation 3843801 (VCV003843801.1).

ClinVar aggregate classification (germline): Uncertain significance (1 of 4 stars; one submission).

Conditions:
Hereditary cancer-predisposing syndrome. Also called: Hereditary neoplastic syndrome; Neoplastic Syndromes, Hereditary; Tumor predisposition; Hereditary Cancer Syndrome. Identifiers: Orphanet 140162, MedGen C0027672, MeSH D009386, MONDO:0015356.

Submission:

Ambry Genetics
Classification: Uncertain significance for Hereditary cancer-predisposing syndrome. Last evaluated: 2025-01-13. Review status: criteria provided, single submitter. Criteria: Ambry Variant Classification Scheme 2023. Collection method: clinical testing. Allele origin: germline.
Comment: The p.N996D variant (also known as c.2986A>G), located in coding exon 25 of the EGFR gene, results from an A to G substitution at nucleotide position 2986. The asparagine at codon 996 is replaced by aspartic acid, an amino acid with highly similar properties. This amino acid position is conserved. In addition, this alteration is predicted to be tolerated by in silico analysis. Based on the available evidence, the clinical significance of this variant remains unclear.